The following is an entry in ClinVar:

NM_001039876.3(SYNE4):c.662_666del (p.Glu221fs)

Gene: SYNE4 (spectrin repeat containing nuclear envelope family member 4; minus strand). Cytogenetic location: 19q13.12.
Variant type: Deletion.
Coding change: c.662_666del on transcript NM_001039876.3 (MANE Select); coding-DNA positions 662 to 666, 5 bases deleted (AGGGA; older notation c.662_666delAGGGA).
Protein change: p.Glu221fs; shifts the reading frame from glutamic acid 221.
Molecular consequence: frameshift variant.
Genome position (GRCh38, 1-based): chr19:36,006,624-36,006,628, TCCCT deleted on the plus strand (AGGGA on the coding strand, the reverse complement: SYNE4 is on the minus strand). VCF-style (leftmost placement, unchanged base first): chr19-36006623-CTCCCT-C. GRCh37 (hg19) VCF-style: chr19-36497525-CTCCCT-C.
Other names: c.323_327del, p.Glu108fs (NM_001297735.3); short protein forms E221fs, E108fs.
Identifiers: ClinVar variation 2983817 (VCV002983817.4), dbSNP rs772404105, ClinGen allele CA9393875.

ClinVar aggregate classification (germline): Pathogenic/Likely pathogenic. Review status: criteria provided, multiple submitters, no conflicts (2 of 4 stars). 2 submissions from 2 submitters: Pathogenic (1); Likely pathogenic (1). Last evaluated 2024-05-06.

Conditions:
Autosomal recessive nonsyndromic hearing loss 76. Also called: Deafness, autosomal recessive 76. Identifiers: Orphanet 90636, MedGen C3147083, MONDO:0014237, OMIM 615540.

Allele frequency attached by ClinVar (database versions not stated): gnomAD 0.00001; gnomAD exomes 0.00001; TOPMed 0.00001; ExAC 0.00002.

Submissions (2):

Fulgent Genetics
Classification: Likely pathogenic for Autosomal recessive nonsyndromic hearing loss 76. Last evaluated: 2024-05-06. Review status: criteria provided, single submitter. Criteria: ACMG Guidelines, 2015. Collection method: clinical testing. Allele origin: germline.

Labcorp Genetics (formerly Invitae), Labcorp
Classification: Pathogenic. Last evaluated: 2023-09-17. Review status: criteria provided, single submitter. Criteria: Invitae Variant Classification Sherloc (09022015). Collection method: clinical testing. Allele origin: germline.
Comment: This sequence change creates a premature translational stop signal (p.Glu221Glyfs*18) in the SYNE4 gene. It is expected to result in an absent or disrupted protein product. Loss-of-function variants in SYNE4 are known to be pathogenic (PMID: 23348741, 28958982). This variant is present in population databases (rs772404105, gnomAD 0.004%). This variant has not been reported in the literature in individuals affected with SYNE4-related conditions. Algorithms developed to predict the effect of sequence changes on RNA splicing suggest that this variant may create or strengthen a splice site. For these reasons, this variant has been classified as Pathogenic.

Literature cited by the submitters: PubMed 23348741 (cited by Labcorp Genetics (formerly Invitae), Labcorp); PubMed 28958982 (cited by Labcorp Genetics (formerly Invitae), Labcorp).